The following is an entry in ClinVar:

ClinVar aggregate classification (germline): Uncertain significance (1 of 4 stars; one submission).

Submission:

GeneDx
Classification: Uncertain significance. Last evaluated: 2025-07-29. Review status: criteria provided, single submitter. Criteria: GeneDx Variant Classification Process June 2021. Collection method: clinical testing. Allele origin: germline. Affected: yes.
Comment: Not observed at significant frequency in large population cohorts (gnomAD); In silico analysis suggests that this missense variant does not alter protein structure/function; Has not been previously published as pathogenic or benign to our knowledge

NM_006766.5(KAT6A):c.2802C>A (p.Asp934Glu)

Gene: KAT6A (lysine acetyltransferase 6A; minus strand). Cytogenetic location: 8p11.21.
Variant type: single nucleotide variant.
Coding change: c.2802C>A on transcript NM_006766.5 (MANE Select); coding-DNA position 2802, C replaced by A.
Protein change: p.Asp934Glu; replaces aspartic acid 934 with glutamic acid.
Molecular consequence: missense variant.
Genome position (GRCh38, 1-based): chr8:41,941,079, G>T on the plus strand (C>A on the coding strand, the complement: KAT6A is on the minus strand). VCF-style: chr8-41941079-G-T. GRCh37 (hg19) VCF-style: chr8-41798597-G-T.
Other names: short protein forms D934E.
Identifiers: ClinVar variation 4689883 (VCV004689883.1).